The following is an entry in ClinVar:

NM_018055.5(NODAL):c.68C>T (p.Thr23Met)

Gene: NODAL (nodal growth differentiation factor; minus strand). Cytogenetic location: 10q22.1.
Variant type: single nucleotide variant.
Coding change: c.68C>T on transcript NM_018055.5 (MANE Select); coding-DNA position 68, C replaced by T.
Protein change: p.Thr23Met; replaces threonine 23 with methionine.
Molecular consequence: missense variant. On other transcripts: intron variant (1).
Genome position (GRCh38, 1-based): chr10:70,441,600, G>A on the plus strand (C>T on the coding strand, the complement: NODAL is on the minus strand). VCF-style: chr10-70441600-G-A. GRCh37 (hg19) VCF-style: chr10-72201356-G-A.
Other names: c.-206-5617C>T (NM_001329906.2); short protein forms T23M.
Identifiers: ClinVar variation 1942287 (VCV001942287.5), dbSNP rs750115289, ClinGen allele CA5537668.
Genomic context (GRCh38, chr10:70,441,600, plus strand): 5'-TACGCCAGAGGGGATGGCGACGAGGGCTGCCCCCGCGTACGCAGGAGCGCAGTGGCCACC[G>A]TCGCAGCACCCGCCTGGAGTAGGGCCCACCAGGCGTGCAGAAGGAAGGGCAGGCAGTGGG-3'
Protein context (NP_060525.3, residues 13-33): WWALLQAGAA[Thr23Met]VATALLRTRG

ClinVar aggregate classification (germline): Uncertain significance (1 of 4 stars; one submission).

Conditions:
Heterotaxy, visceral, 5, autosomal (HTX5). Also called: Heterotaxy, visceral, 5. Identifiers: Orphanet 450, MedGen C3495537, MONDO:0700112, OMIM 270100.

Allele frequency attached by ClinVar (database versions not stated): gnomAD 0.00001; gnomAD exomes 0.00001; TOPMed 0.00003.
gnomAD v4.1: 19 of 1,556,578 alleles (0.0012%); highest among the groups gnomAD compares: Non-Finnish European, 0.0015%; no homozygotes.

Submission:

Labcorp Genetics (formerly Invitae), Labcorp
Classification: Uncertain significance for Heterotaxy, visceral, 5, autosomal. Last evaluated: 2022-07-07. Review status: criteria provided, single submitter. Criteria: Invitae Variant Classification Sherloc (09022015). Collection method: clinical testing. Allele origin: germline.
Comment: In summary, the available evidence is currently insufficient to determine the role of this variant in disease. Therefore, it has been classified as a Variant of Uncertain Significance. Algorithms developed to predict the effect of missense changes on protein structure and function output the following: SIFT: "Tolerated"; PolyPhen-2: "Benign"; Align-GVGD: "Class C0". The methionine amino acid residue is found in multiple mammalian species, which suggests that this missense change does not adversely affect protein function. This variant has not been reported in the literature in individuals affected with NODAL-related conditions. The frequency data for this variant in the population databases is considered unreliable, as metrics indicate poor data quality at this position in the gnomAD database. This sequence change replaces threonine, which is neutral and polar, with methionine, which is neutral and non-polar, at codon 23 of the NODAL protein (p.Thr23Met).